The following is an entry in ClinVar:

ClinVar aggregate classification (germline): Pathogenic (1 of 4 stars; one submission).

Submission:

Labcorp Genetics (formerly Invitae), Labcorp
Classification: Pathogenic. Last evaluated: 2023-02-06. Review status: criteria provided, single submitter. Criteria: Invitae Variant Classification Sherloc (09022015). Collection method: clinical testing. Allele origin: germline.
Comment: This variant has not been reported in the literature in individuals affected with CIT-related conditions. For these reasons, this variant has been classified as Pathogenic. This variant is not present in population databases (gnomAD no frequency). This sequence change creates a premature translational stop signal (p.Ser407*) in the CIT gene. It is expected to result in an absent or disrupted protein product. Loss-of-function variants in CIT are known to be pathogenic (PMID: 27453579).

Literature cited by the submitters: PubMed 27453579.

NM_001206999.2(CIT):c.1220C>G (p.Ser407Ter)

Gene: CIT (citron rho-interacting serine/threonine kinase; minus strand). Cytogenetic location: 12q24.23.
Variant type: single nucleotide variant.
Coding change: c.1220C>G on transcript NM_001206999.2 (MANE Select); coding-DNA position 1220, C replaced by G.
Protein change: p.Ser407Ter; replaces serine 407 with a stop codon.
Molecular consequence: nonsense.
Genome position (GRCh38, 1-based): chr12:119,803,281, G>C on the plus strand (C>G on the coding strand, the complement: CIT is on the minus strand). VCF-style: chr12-119803281-G-C. GRCh37 (hg19) VCF-style: chr12-120241085-G-C.
Other names: c.1220C>G, p.Ser407Ter (NM_007174.3); short protein forms S407*.
Identifiers: ClinVar variation 2835069 (VCV002835069.3), dbSNP rs2502433367, ClinGen allele CA386550671.